The following is an entry in ClinVar:

ClinVar aggregate classification (germline): Likely benign. Review status: criteria provided, multiple submitters, no conflicts (2 of 4 stars). 3 submissions from 3 submitters: Likely benign (3). Last evaluated 2024-08-01.

Conditions:
Epilepsy, childhood absence, susceptibility to, 5. Identifiers: Orphanet 64280, MedGen C2677087, MONDO:0012843, OMIM 612269.
Epilepsy, childhood absence, susceptibility to, 1. Also called: Epilepsy, childhood absence 1. Identifiers: Orphanet 64280, MedGen C1838604, MONDO:0020759, OMIM 600131.

Allele frequency attached by ClinVar (database versions not stated): gnomAD 0.00003.
gnomAD v4.1: 6 of 1,613,958 alleles (0.00037%); highest among the groups gnomAD compares: Non-Finnish European, 0.00051%; no homozygotes.

Submissions (3):

CeGaT Center for Human Genetics Tuebingen
Classification: Likely benign. Last evaluated: 2024-08-01. Review status: criteria provided, single submitter. Criteria: CeGaT Center For Human Genetics Tuebingen Variant Classification Criteria Version 2. Collection method: clinical testing. Allele origin: germline. Affected: yes. Observed: 1 variant allele.
Comment: GABRB3: BP4, BP7

Labcorp Genetics (formerly Invitae), Labcorp
Classification: Likely benign for Epilepsy, childhood absence, susceptibility to, 5; Epilepsy, childhood absence, susceptibility to, 1. Last evaluated: 2022-02-22. Review status: criteria provided, single submitter. Criteria: Invitae Variant Classification Sherloc (09022015). Collection method: clinical testing. Allele origin: germline.

GeneDx
Classification: Likely benign. Last evaluated: 2018-01-15. Review status: criteria provided, single submitter. Criteria: GeneDx Variant Classification (06012015). Collection method: clinical testing. Allele origin: germline. Affected: yes.
Comment: This variant is considered likely benign or benign based on one or more of the following criteria: it is a conservative change, it occurs at a poorly conserved position in the protein, it is predicted to be benign by multiple in silico algorithms, and/or has population frequency not consistent with disease.

NM_000814.6(GABRB3):c.321G>T (p.Thr107=)

Gene: GABRB3 (gamma-aminobutyric acid type A receptor subunit beta3; minus strand). Cytogenetic location: 15q12.
Variant type: single nucleotide variant.
Coding change: c.321G>T on transcript NM_000814.6 (MANE Select); coding-DNA position 321, G replaced by T.
Protein change: p.Thr107=; no amino-acid change (threonine 107 retained).
Molecular consequence: synonymous variant. On other transcripts: non-coding transcript variant (1).
Genome position (GRCh38, 1-based): chr15:26,621,454, C>A on the plus strand (G>T on the coding strand, the complement: GABRB3 is on the minus strand). VCF-style: chr15-26621454-C-A. GRCh37 (hg19) VCF-style: chr15-26866601-C-A.
Other names: c.66G>T, p.Thr22= (NM_001191320.2, NM_001278631.2); c.108G>T, p.Thr36= (NM_001191321.3); c.321G>T, p.Thr107= (NM_021912.5).
Identifiers: ClinVar variation 514541 (VCV000514541.23), dbSNP rs367761610, ClinGen allele CA489238891.